The following is an entry in ClinVar:

ClinVar aggregate classification (germline): Conflicting classifications of pathogenicity. Review status: criteria provided, conflicting classifications (1 of 4 stars). 5 submissions from 5 submitters: Uncertain significance (1); Likely benign (3). 1 of the submissions does not count toward it. Last evaluated 2026-01-24.

Conditions:
Schimke immuno-osseous dysplasia (SIOD). Also called: Schimke Immunoosseous Dysplasia. Identifiers: Orphanet 1830, MedGen C0877024, MONDO:0009458, OMIM 242900.

Allele frequency attached by ClinVar (database versions not stated): gnomAD exomes 0.00018 and 0.00045; ExAC 0.00026; gnomAD 0.00027 and 0.00029; 1000 Genomes Project 30x 0.00031; ESP Exome Variant Server 0.00038; 1000 Genomes Project 0.00040; TOPMed 0.00048.
gnomAD v4.1: 300 of 1,614,056 alleles (0.019%); highest among the groups gnomAD compares: Admixed American, 0.18%; 1 homozygote.

Submissions (5):

Labcorp Genetics (formerly Invitae), Labcorp
Classification: Likely benign for Schimke immuno-osseous dysplasia. Last evaluated: 2026-01-24. Review status: criteria provided, single submitter. Criteria: Invitae Variant Classification Sherloc (09022015). Collection method: clinical testing. Allele origin: germline.

Mayo Clinic Laboratories, Mayo Clinic
Classification: Likely benign. Last evaluated: 2025-06-02. Review status: criteria provided, single submitter. Criteria: ACMG Guidelines, 2015. Collection method: clinical testing. Allele origin: germline. Observed: 1 variant allele.
Comment: BP4, BP7

Blueprint Genetics
Classification: Likely benign. Last evaluated: 2024-09-14. Review status: criteria provided, single submitter. Criteria: ACMG Guidelines, 2015. Collection method: clinical testing. Allele origin: germline.

Illumina Laboratory Services, Illumina
Classification: Uncertain significance for Schimke immuno-osseous dysplasia. Last evaluated: 2018-01-13. Review status: criteria provided, single submitter. Criteria: ICSL Variant Classification Criteria 13 December 2019. Collection method: clinical testing. Allele origin: germline.

Natera, Inc.
Classification: Benign for Schimke immuno-osseous dysplasia. Last evaluated: 2019-10-21. Review status: no assertion criteria provided. Collection method: clinical testing. Allele origin: germline. Not counted in ClinVar's aggregate classification.

NM_014140.4(SMARCAL1):c.1785C>T (p.Ile595=)

Gene: SMARCAL1 (SNF2 related chromatin remodeling annealing helicase 1; plus strand). Cytogenetic location: 2q35.
Variant type: single nucleotide variant.
Coding change: c.1785C>T on transcript NM_014140.4 (MANE Select); coding-DNA position 1785, C replaced by T.
Protein change: p.Ile595=; no amino-acid change (isoleucine 595 retained).
Molecular consequence: synonymous variant.
Genome position (GRCh38, 1-based): chr2:216,447,092, C>T. VCF-style: chr2-216447092-C-T. GRCh37 (hg19) VCF-style: chr2-217311815-C-T.
Other names: p.Ile595=; c.1785C>T, p.Ile595= (NM_001127207.2).
Identifiers: ClinVar variation 725521 (VCV000725521.20), dbSNP rs145825654, ClinGen allele CA2098004.